The following is an entry in ClinVar:

ClinVar aggregate classification (germline): Uncertain significance. Review status: criteria provided, multiple submitters, no conflicts (2 of 4 stars). 6 submissions from 6 submitters: Uncertain significance (6). Last evaluated 2025-10-02.

Conditions:
Inborn genetic diseases. Identifiers: MedGen C0950123, MeSH D030342.
Mitochondrial DNA depletion syndrome 1. Also called: Mitochondrial DNA Depletion Syndrome, MNGIE Form; Mitochondrial Neurogastrointestinal Encephalopathy Disease; MITOCHONDRIAL NEUROGASTROINTESTINAL ENCEPHALOPATHY SYNDROME, TYMP-RELATED; MNGIE, TYMP-RELATED; Mitochondrial DNA depletion syndrome 1 (MNGIE type); Mitochondrial neurogastrointestinal encephalomyopathy syndrome. Identifiers: Orphanet 298, MedGen C4551995, MONDO:0011283, OMIM 603041.
Progressive sclerosing poliodystrophy (MTDPS4A). Also called: Mitochondrial DNA depletion syndrome 4A (Alpers type); Mitochondrial DNA Depletion Syndrome 4A; Alpers Syndrome; ALPERS DIFFUSE DEGENERATION OF CEREBRAL GRAY MATTER WITH HEPATIC CIRRHOSIS; Alpers-Huttenlocher Syndrome; ALPERS PROGRESSIVE INFANTILE POLIODYSTROPHY. Identifiers: Orphanet 726, MedGen C0205710, MONDO:0008758, OMIM 203700.
Mitochondrial DNA depletion syndrome 4b. Also called: MNGIE, POLG-RELATED; Mitochondrial Neurogastrointestinal Encephalopathy Disease, POLG-Related. Identifiers: Orphanet 298, MedGen C3150914, MONDO:0013350, OMIM 613662.
Progressive external ophthalmoplegia with mitochondrial DNA deletions, autosomal dominant 1 (PEOA1). Also called: PROGRESSIVE EXTERNAL OPHTHALMOPLEGIA, AUTOSOMAL DOMINANT 1; Autosomal Dominant Progressive External Ophthalmoplegia (adPEO). Identifiers: MedGen C1834846, MONDO:0024528, OMIM 157640.
Progressive external ophthalmoplegia with mitochondrial DNA deletions, autosomal recessive 1 (PEOB1). Also called: Progressive external ophthalmoplegia, autosomal recessive 1; Autosomal Recessive Progressive External Ophthalmoplegia (arPEO). Identifiers: Orphanet 254886, MedGen C4225153, MONDO:0009783, OMIM 258450.
Sensory ataxic neuropathy, dysarthria, and ophthalmoparesis (SANDO). Also called: SENSORY ATAXIC NEUROPATHY WITH MITOCHONDRIAL DNA DELETIONS, AUTOSOMAL RECESSIVE; Sensory ataxic neuropathy-dysarthria-ophthalmoparesis syndrome; Epilepsy, progressive myoclonic, type 5; Ataxia Neuropathy Spectrum (ANS). Identifiers: Orphanet 70595, MedGen C1843851, MONDO:0011835, OMIM 607459.

Allele frequency attached by ClinVar (database versions not stated): gnomAD 0.00001; gnomAD exomes 0.00001; TOPMed 0.00002.
gnomAD v4.1: 9 of 1,559,106 alleles (0.00058%); highest among the groups gnomAD compares: Non-Finnish European, 0.00078%; no homozygotes.

Submissions (6):

Labcorp Genetics (formerly Invitae), Labcorp
Classification: Uncertain significance for Progressive sclerosing poliodystrophy. Last evaluated: 2025-10-02. Review status: criteria provided, single submitter. Criteria: Invitae Variant Classification Sherloc (09022015). Collection method: clinical testing. Allele origin: germline.
Comment: This sequence change replaces glutamine, which is neutral and polar, with arginine, which is basic and polar, at codon 144 of the POLG protein (p.Gln144Arg). The frequency data for this variant in the population databases is considered unreliable, as metrics indicate poor data quality at this position in the gnomAD database. This variant has not been reported in the literature in individuals affected with POLG-related conditions. ClinVar contains an entry for this variant (Variation ID: 587834). Invitae Evidence Modeling of protein sequence and biophysical properties (such as structural, functional, and spatial information, amino acid conservation, physicochemical variation, residue mobility, and thermodynamic stability) has been performed for this missense variant. However, the output from this modeling did not meet the statistical confidence thresholds required to predict the impact of this variant on POLG protein function. In summary, the available evidence is currently insufficient to determine the role of this variant in disease. Therefore, it has been classified as a Variant of Uncertain Significance.

Women's Health and Genetics/Laboratory Corporation of America, LabCorp
Classification: Uncertain significance. Last evaluated: 2025-07-24. Review status: criteria provided, single submitter. Criteria: LabCorp Variant Classification Summary - May 2015. Collection method: clinical testing. Allele origin: germline.
Comment: Variant summary: POLG c.431A>G (p.Gln144Arg) results in a conservative amino acid change located in the exonuclease domain (IPR041336) of the encoded protein sequence. Algorithms developed to predict the effect of missense changes on protein structure and function are either unavailable or do not agree on the potential impact of this missense change. The variant allele was found at a frequency of 1.2e-05 in 169380 control chromosomes. The available data on variant occurrences in the general population are insufficient to allow any conclusion about variant significance. To our knowledge, no occurrence of c.431A>G in individuals affected with POLG-Related Spectrum Disorders and no experimental evidence demonstrating its impact on protein function have been reported. ClinVar contains an entry for this variant (Variation ID: 587834). Based on the evidence outlined above, the variant was classified as uncertain significance.

GeneDx
Classification: Uncertain significance. Last evaluated: 2022-02-15. Review status: criteria provided, single submitter. Criteria: GeneDx Variant Classification Process June 2021. Collection method: clinical testing. Allele origin: germline. Affected: yes.
Comment: Not observed at significant frequency in large population cohorts (gnomAD); In silico analysis supports that this missense variant does not alter protein structure/function; Has not been previously published as pathogenic or benign to our knowledge

Fulgent Genetics
Classification: Uncertain significance for Progressive external ophthalmoplegia with mitochondrial DNA deletions, autosomal dominant 1; Progressive sclerosing poliodystrophy; Progressive external ophthalmoplegia with mitochondrial DNA deletions, autosomal recessive 1; Mitochondrial DNA depletion syndrome 1; Sensory ataxic neuropathy, dysarthria, and ophthalmoparesis; Mitochondrial DNA depletion syndrome 4b. Last evaluated: 2021-07-22. Review status: criteria provided, single submitter. Criteria: ACMG Guidelines, 2015. Collection method: clinical testing. Allele origin: unknown.

Wong Mito Lab, Molecular and Human Genetics, Baylor College of Medicine
Classification: Uncertain significance for Progressive sclerosing poliodystrophy. Last evaluated: 2018-10-01. Review status: criteria provided, single submitter. Criteria: ACMG Guidelines, 2015. Collection method: clinical testing. Allele origin: germline.
Comment: The NM_002693.2:c.431A>G (NP_002684.1:p.Gln144Arg) [GRCH38: NC_000015.10:g.89333324T>C] variant in POLG gene is interpretated to be a Uncertain Significance based on ACMG guidelines (PMID: 25741868). This variant meets the following evidence codes reported in the ACMG-guideline. BP4:Computational evidence/predictors indicate no impact on the POLG structure, function, or protein-protein interaction. Based on the evidence criteria codes applied, the variant is suggested to be Uncertain Significance.

Ambry Genetics
Classification: Uncertain significance for Inborn genetic diseases. Last evaluated: 2016-05-06. Review status: criteria provided, single submitter. Criteria: Ambry Variant Classification Scheme 2023. Collection method: clinical testing. Allele origin: germline.
Comment: The p.Q144R variant (also known as c.431A>G), located in coding exon 1 of the POLG gene, results from an A to G substitution at nucleotide position 431. The glutamine at codon 144 is replaced by arginine, an amino acid with highly similar properties. This variant was not reported in population based cohorts in the following databases: Database of Single Nucleotide Polymorphisms (dbSNP), NHLBI Exome Sequencing Project (ESP), and 1000 Genomes Project. In the ESP, this variant was not observed in 6364 samples (12728 alleles) with coverage at this position. This amino acid position is highly conserved in available vertebrate species. In addition, the in silico prediction for this alteration is inconclusive. Since supporting evidence is limited at this time, the clinical significance of this alteration remains unclear.

NM_002693.3(POLG):c.431A>G (p.Gln144Arg)

Genes: POLG (DNA polymerase gamma, catalytic subunit; minus strand), POLGARF (POLG alternative reading frame; minus strand). Cytogenetic location: 15q26.1.
Variant type: single nucleotide variant.
Coding change: c.431A>G on transcript NM_002693.3 (MANE Select); coding-DNA position 431, A replaced by G.
Protein change: p.Gln144Arg; replaces glutamine 144 with arginine.
Molecular consequence: missense variant.
Genome position (GRCh38, 1-based): chr15:89,333,324, T>C on the plus strand (A>G on the coding strand, the complement: POLG is on the minus strand). VCF-style: chr15-89333324-T-C. GRCh37 (hg19) VCF-style: chr15-89876555-T-C.
Other names: c.431A>G, p.Gln144Arg (NM_001126131.2); short protein forms Q144R.
Identifiers: ClinVar variation 587834 (VCV000587834.19), dbSNP rs1056580076, ClinGen allele CA10602288.